The following is an entry in ClinVar:

ClinVar aggregate classification (germline): Benign/Likely benign. Review status: criteria provided, multiple submitters, no conflicts (2 of 4 stars). 5 submissions from 5 submitters: Benign (4); Likely benign (1). Last evaluated 2026-01-06.

Conditions:
Gray platelet syndrome (GPS). Also called: BLEEDING DISORDER, PLATELET-TYPE, 4. Identifiers: Orphanet 721, MedGen C0272302, MONDO:0007686, OMIM 139090.

Allele frequency attached by ClinVar (database versions not stated): gnomAD exomes 0.00089 and 0.00182; ExAC 0.00202; 1000 Genomes Project 0.00599; 1000 Genomes Project 30x 0.00640; gnomAD 0.00671 and 0.00728; ESP Exome Variant Server 0.00712; TOPMed 0.00788.
gnomAD v4.1: 2,391 of 1,613,994 alleles (0.15%); highest among the groups gnomAD compares: African/African-American, 2.3%; 20 homozygotes.

Submissions (5):

Labcorp Genetics (formerly Invitae), Labcorp
Classification: Benign. Last evaluated: 2026-01-06. Review status: criteria provided, single submitter. Criteria: Invitae Variant Classification Sherloc (09022015). Collection method: clinical testing. Allele origin: germline.

Mayo Clinic Laboratories, Mayo Clinic
Classification: Benign. Last evaluated: 2025-04-07. Review status: criteria provided, single submitter. Criteria: ACMG Guidelines, 2015. Collection method: clinical testing. Allele origin: germline. Observed: 5 variant alleles.
Comment: BS1, BS2, BP4, BP7

Blueprint Genetics
Classification: Likely benign. Last evaluated: 2024-11-26. Review status: criteria provided, single submitter. Criteria: ACMG Guidelines, 2015. Collection method: clinical testing. Allele origin: germline.

Illumina Laboratory Services, Illumina
Classification: Benign for Gray platelet syndrome. Last evaluated: 2018-01-13. Review status: criteria provided, single submitter. Criteria: ICSL Variant Classification Criteria 13 December 2019. Collection method: clinical testing. Allele origin: germline.
Comment: This variant was observed in the ICSL laboratory as part of a predisposition screen in an ostensibly healthy population. It had not been previously curated by ICSL or reported in the Human Gene Mutation Database (HGMD: prior to June 1st, 2018), and was therefore a candidate for classification through an automated scoring system. Utilizing variant allele frequency, disease prevalence and penetrance estimates, and inheritance mode, an automated score was calculated to assess if this variant is too frequent to cause the disease. Based on the score and internal cut-off values, a variant classified as benign is not then subjected to further curation. The score for this variant resulted in a classification of benign for this disease.

Breakthrough Genomics
Classification: Benign. Review status: criteria provided, single submitter. Criteria: ACMG Guidelines, 2015. Collection method: not provided. Allele origin: germline. Inheritance: Autosomal recessive inheritance. Affected: yes.

NM_015175.3(NBEAL2):c.7836G>A (p.Gln2612=)

Gene: NBEAL2 (neurobeachin like 2; plus strand). Cytogenetic location: 3p21.31.
Variant type: single nucleotide variant.
Coding change: c.7836G>A on transcript NM_015175.3 (MANE Select); coding-DNA position 7836, G replaced by A.
Protein change: p.Gln2612=; no amino-acid change (glutamine 2612 retained).
Molecular consequence: synonymous variant.
Genome position (GRCh38, 1-based): chr3:47,008,399, G>A. VCF-style: chr3-47008399-G-A. GRCh37 (hg19) VCF-style: chr3-47049889-G-A.
Other names: p.Gln2612=; c.7734G>A, p.Gln2578= (NM_001365116.2).
Identifiers: ClinVar variation 786500 (VCV000786500.12), dbSNP rs72909849, ClinGen allele CA2362275.